The following is an entry in ClinVar:

NM_005216.5(DDOST):c.1221G>A (p.Ser407=)

Gene: DDOST (dolichyl-diphosphooligosaccharide--protein glycosyltransferase non-catalytic subunit; minus strand). Cytogenetic location: 1p36.12.
Variant type: single nucleotide variant.
Coding change: c.1221G>A on transcript NM_005216.5 (MANE Select); coding-DNA position 1221, G replaced by A.
Protein change: p.Ser407=; no amino-acid change (serine 407 retained).
Molecular consequence: synonymous variant.
Genome position (GRCh38, 1-based): chr1:20,652,478, C>T on the plus strand (G>A on the coding strand, the complement: DDOST is on the minus strand). VCF-style: chr1-20652478-C-T. GRCh37 (hg19) VCF-style: chr1-20978971-C-T.
Identifiers: ClinVar variation 384565 (VCV000384565.10), dbSNP rs142441124, ClinGen allele CA660983.

ClinVar aggregate classification (germline): Likely benign. Review status: criteria provided, multiple submitters, no conflicts (2 of 4 stars). 2 submissions from 2 submitters: Likely benign (2). Last evaluated 2022-08-17.

Conditions:
Congenital disorder of glycosylation type Ir (CDG1R). Also called: DDOST-congenital disorder of glycosylation. Identifiers: Orphanet 300536, MedGen C3281084, MONDO:0013789, OMIM 614507.

Allele frequency attached by ClinVar (database versions not stated): TOPMed 0.00009; ExAC 0.00012; gnomAD 0.00014; ESP Exome Variant Server 0.00015.
gnomAD v4.1: 134 of 1,613,796 alleles (0.0083%); highest among the groups gnomAD compares: Middle Eastern, 0.18%; no homozygotes.

Submissions (2):

Labcorp Genetics (formerly Invitae), Labcorp
Classification: Likely benign for Congenital disorder of glycosylation type Ir. Last evaluated: 2022-08-17. Review status: criteria provided, single submitter. Criteria: Invitae Variant Classification Sherloc (09022015). Collection method: clinical testing. Allele origin: germline.

GeneDx
Classification: Likely benign. Last evaluated: 2016-03-30. Review status: criteria provided, single submitter. Criteria: GeneDx Variant Classification (06012015). Collection method: clinical testing. Allele origin: germline. Affected: yes.
Comment: This variant is considered likely benign or benign based on one or more of the following criteria: it is a conservative change, it occurs at a poorly conserved position in the protein, it is predicted to be benign by multiple in silico algorithms, and/or has population frequency not consistent with disease.